The following is an entry in ClinVar:

NM_001369.3(DNAH5):c.56C>T (p.Thr19Met)

Gene: DNAH5 (dynein axonemal heavy chain 5; minus strand). Cytogenetic location: 5p15.2.
Variant type: single nucleotide variant.
Coding change: c.56C>T on transcript NM_001369.3 (MANE Select); coding-DNA position 56, C replaced by T.
Protein change: p.Thr19Met; replaces threonine 19 with methionine.
Molecular consequence: missense variant.
Genome position (GRCh38, 1-based): chr5:13,944,383, G>A on the plus strand (C>T on the coding strand, the complement: DNAH5 is on the minus strand). VCF-style: chr5-13944383-G-A. GRCh37 (hg19) VCF-style: chr5-13944492-G-A.
Other names: short protein forms T19M.
Identifiers: ClinVar variation 454787 (VCV000454787.11), dbSNP rs757712771, ClinGen allele CA3205305.
Genomic context (GRCh38, chr5:13,944,383, plus strand): 5'-AGGTGTGACAGATGATAATCCAAAACACACATGCAAAGGTACAGACAACAGCACCTTACC[G>A]TTAAAACTCGAGTGACGCTATGCTTCCAGAGCTGTCTCCTCCCAATCCTAAACATTGTAG-3'
Protein context (NP_001360.1, residues 9-29): LWKHSVTRVL[Thr19Met]QRLKGEKEAK

ClinVar aggregate classification (germline): Uncertain significance. Review status: criteria provided, multiple submitters, no conflicts (2 of 4 stars). 3 submissions from 3 submitters: Uncertain significance (2). 1 of the submissions does not count toward it. Last evaluated 2022-04-21.

Conditions:
Primary ciliary dyskinesia. Also called: Ciliary dyskinesia. Identifiers: Orphanet 244, MedGen C0008780, MONDO:0016575, HP:0012265.
Primary ciliary dyskinesia 3. Identifiers: Orphanet 244, MedGen C1837618, MONDO:0012085, OMIM 608644.

Allele frequency attached by ClinVar (database versions not stated): gnomAD exomes 0.00004; ExAC 0.00006; gnomAD 0.00007 and 0.00008; TOPMed 0.00007.

Submissions (3):

Labcorp Genetics (formerly Invitae), Labcorp
Classification: Uncertain significance for Primary ciliary dyskinesia. Last evaluated: 2022-04-21. Review status: criteria provided, single submitter. Criteria: Invitae Variant Classification Sherloc (09022015). Collection method: clinical testing. Allele origin: germline.
Comment: This sequence change replaces threonine, which is neutral and polar, with methionine, which is neutral and non-polar, at codon 19 of the DNAH5 protein (p.Thr19Met). This variant is present in population databases (rs757712771, gnomAD 0.01%). This variant has not been reported in the literature in individuals affected with DNAH5-related conditions. ClinVar contains an entry for this variant (Variation ID: 454787). Algorithms developed to predict the effect of missense changes on protein structure and function output the following: SIFT: "Tolerated"; PolyPhen-2: "Possibly Damaging"; Align-GVGD: "Class C0". The methionine amino acid residue is found in multiple mammalian species, which suggests that this missense change does not adversely affect protein function. In summary, the available evidence is currently insufficient to determine the role of this variant in disease. Therefore, it has been classified as a Variant of Uncertain Significance.

Illumina Laboratory Services, Illumina
Classification: Uncertain significance for Primary ciliary dyskinesia 3. Last evaluated: 2018-01-13. Review status: criteria provided, single submitter. Criteria: ICSL Variant Classification Criteria 13 December 2019. Collection method: clinical testing. Allele origin: germline.

Natera, Inc.
Classification: Uncertain significance for Primary ciliary dyskinesia. Last evaluated: 2019-10-28. Review status: no assertion criteria provided. Collection method: clinical testing. Allele origin: germline. Not counted in ClinVar's aggregate classification.